The following is an entry in ClinVar:

NM_001128840.3(CACNA1D):c.2552T>G (p.Leu851Trp)

Gene: CACNA1D (calcium voltage-gated channel subunit alpha1 D; plus strand). Cytogenetic location: 3p21.1.
Variant type: single nucleotide variant.
Coding change: c.2552T>G on transcript NM_001128840.3 (MANE Select); coding-DNA position 2552, T replaced by G.
Protein change: p.Leu851Trp; replaces leucine 851 with tryptophan.
Molecular consequence: missense variant.
Genome position (GRCh38, 1-based): chr3:53,732,893, T>G. VCF-style: chr3-53732893-T-G. GRCh37 (hg19) VCF-style: chr3-53766920-T-G.
Other names: c.2612T>G, p.Leu871Trp (NM_000720.4); c.2552T>G, p.Leu851Trp (NM_001128839.3); short protein forms L871W, L851W.
Identifiers: ClinVar variation 227197 (VCV000227197.60), dbSNP rs186968009, ClinGen allele CA2454280.

ClinVar aggregate classification (germline): Benign/Likely benign. Review status: criteria provided, multiple submitters, no conflicts (2 of 4 stars). 8 submissions from 8 submitters: Benign (1); Likely benign (6). 1 of the submissions does not count toward it. Last evaluated 2026-01-08.

Conditions:
Inborn genetic diseases. Identifiers: MedGen C0950123, MeSH D030342.
Aldosterone-producing adenoma with seizures and neurological abnormalities. Also called: Primary aldosteronism, seizures, and neurologic abnormalities. Identifiers: Orphanet 369929, MedGen C3809609, MONDO:0014200, OMIM 615474.
CACNA1D-related disorder.

Allele frequency attached by ClinVar (database versions not stated): ESP Exome Variant Server 0.00015; TOPMed 0.00022; gnomAD 0.00026 and 0.00036; gnomAD exomes 0.00038 and 0.00070; ExAC 0.00066; 1000 Genomes Project 30x 0.00109; 1000 Genomes Project 0.00120.
gnomAD v4.1: 625 of 1,613,992 alleles (0.039%); highest among the groups gnomAD compares: South Asian, 0.3%; no homozygotes.

Submissions (8):

Labcorp Genetics (formerly Invitae), Labcorp
Classification: Benign. Last evaluated: 2026-01-08. Review status: criteria provided, single submitter. Criteria: Invitae Variant Classification Sherloc (09022015). Collection method: clinical testing. Allele origin: germline.

Blueprint Genetics
Classification: Likely benign. Last evaluated: 2024-11-21. Review status: criteria provided, single submitter. Criteria: ACMG Guidelines, 2015. Collection method: clinical testing. Allele origin: germline.

KCCC/NGS Laboratory, Kuwait Cancer Control Center
Classification: Likely benign for Aldosterone-producing adenoma with seizures and neurological abnormalities. Last evaluated: 2023-07-07. Review status: criteria provided, single submitter. Criteria: ACMG Guidelines, 2015. Collection method: clinical testing. Allele origin: germline. Affected: yes.

Ambry Genetics
Classification: Likely benign for Inborn genetic diseases. Last evaluated: 2023-02-16. Review status: criteria provided, single submitter. Criteria: Ambry Variant Classification Scheme 2023. Collection method: clinical testing. Allele origin: germline.

CeGaT Center for Human Genetics Tuebingen
Classification: Likely benign. Last evaluated: 2020-02-01. Review status: criteria provided, single submitter. Criteria: CeGaT Center For Human Genetics Tuebingen Variant Classification Criteria Version 2. Collection method: clinical testing. Allele origin: germline. Affected: yes. Observed: 3 variant alleles.

GeneDx
Classification: Likely benign. Last evaluated: 2019-06-21. Review status: criteria provided, single submitter. Criteria: GeneDx Variant Classification Process June 2021. Collection method: clinical testing. Allele origin: germline. Affected: yes.

Laboratory for Molecular Medicine, Mass General Brigham Personalized Medicine
Classification: Likely benign. Last evaluated: 2015-11-25. Review status: criteria provided, single submitter. Criteria: LMM Criteria. Collection method: clinical testing. Allele origin: germline. Observed: 2 variant alleles.
Comment: p.Leu871Trp in exon 20 of CACNA1D: This variant is not expected to have clinical significance because it has been identified in 0.3% (46/16512) of South Asian c hromosomes by the Exome Aggregation Consortium (ExAC .org; dbSNP rs18698009).

PreventionGenetics, part of Exact Sciences
Classification: Benign for CACNA1D-related condition. Last evaluated: 2019-12-05. Review status: no assertion criteria provided. Collection method: clinical testing. Allele origin: germline. Not counted in ClinVar's aggregate classification.
Comment: This variant is classified as benign based on ACMG/AMP sequence variant interpretation guidelines (Richards et al. 2015 PMID: 25741868, with internal and published modifications).